The following is an entry in ClinVar:

NM_000789.4(ACE):c.59_69del (p.Leu20fs)

Gene: ACE (angiotensin I converting enzyme; plus strand). Cytogenetic location: 17q23.3.
Variant type: Deletion.
Coding change: c.59_69del on transcript NM_000789.4 (MANE Select); coding-DNA positions 59 to 69, 11 bases deleted (TGCTGCTGCCG).
Protein change: p.Leu20fs; shifts the reading frame from leucine 20.
Molecular consequence: frameshift variant. On other transcripts: 5 prime UTR variant (2).
Genome position (GRCh38, 1-based): chr17:63,477,153-63,477,163, TGCTGCTGCCG deleted. VCF-style (leftmost placement, unchanged base first): chr17-63477152-TTGCTGCTGCCG-T. GRCh37 (hg19) VCF-style: chr17-61554513-TTGCTGCTGCCG-T.
Other names: c.-177_-167del (NM_001382700.1); c.-556_-546del (NM_001382701.1); c.59_69del11 (NM_000789.3); c.59_69del (NM_000789.3); short protein forms L20fs.
Identifiers: ClinVar variation 2634506 (VCV002634506.6), dbSNP rs752411292, ClinGen allele CA8698937.

ClinVar aggregate classification (germline): Conflicting classifications of pathogenicity. Review status: criteria provided, conflicting classifications (1 of 4 stars). 4 submissions from 4 submitters: Pathogenic (1); Likely pathogenic (2); Uncertain significance (1). Last evaluated 2025-08-19.

Conditions:
ACE-related disorder. Also called: ACE-related condition; ACE-related disorders.
Microvascular complications of diabetes, susceptibility to, 3. Identifiers: MedGen C2675470, MONDO:0012963, OMIM 612624.
Hemorrhage, intracerebral, susceptibility to (ICH). Also called: Stroke, hemorrhagic, susceptibility to. Identifiers: MedGen C3281105, MONDO:0100533, OMIM 614519.
Renal tubular dysgenesis of genetic origin. Also called: PRIMITIVE RENAL TUBULE SYNDROME. Identifiers: Orphanet 97369, MedGen C5681536, MONDO:0009970, OMIM 267430.

Allele frequency attached by ClinVar (database versions not stated): gnomAD 0.00001; gnomAD exomes 0.00001 and 0.00006; TOPMed 0.00002; ExAC 0.00010.

Submissions (4):

Labcorp Genetics (formerly Invitae), Labcorp
Classification: Pathogenic. Last evaluated: 2025-08-19. Review status: criteria provided, single submitter. Criteria: Invitae Variant Classification Sherloc (09022015). Collection method: clinical testing. Allele origin: germline.
Comment: This sequence change creates a premature translational stop signal (p.Leu20Serfs*19) in the ACE gene. It is expected to result in an absent or disrupted protein product. Loss-of-function variants in ACE are known to be pathogenic (PMID: 22095942). This variant is present in population databases (rs752411292, gnomAD 0.03%). This variant has not been reported in the literature in individuals affected with ACE-related conditions. ClinVar contains an entry for this variant (Variation ID: 2634506). For these reasons, this variant has been classified as Pathogenic.

GeneDx
Classification: Uncertain significance. Last evaluated: 2025-08-08. Review status: criteria provided, single submitter. Criteria: GeneDx Variant Classification Process June 2021. Collection method: clinical testing. Allele origin: germline. Affected: yes.
Comment: Frameshift variant predicted to result in protein truncation or nonsense mediated decay in a gene for which loss of function is a known mechanism of disease; Has not been previously published as pathogenic or benign to our knowledge

Fulgent Genetics
Classification: Likely pathogenic for Renal tubular dysgenesis of genetic origin; Microvascular complications of diabetes, susceptibility to, 3; Hemorrhage, intracerebral, susceptibility to. Last evaluated: 2024-04-09. Review status: criteria provided, single submitter. Criteria: ACMG Guidelines, 2015. Collection method: clinical testing. Allele origin: germline.

PreventionGenetics, part of Exact Sciences
Classification: Likely pathogenic for ACE-related condition. Last evaluated: 2023-08-03. Review status: criteria provided, single submitter. Criteria: ACMG Guidelines, 2015. Collection method: clinical testing. Allele origin: germline.
Comment: The ACE c.59_69del11 variant is predicted to result in a frameshift and premature protein termination (p.Leu20Serfs*19). To our knowledge, this variant has not been reported in the literature. This variant is reported in 0.032% of alleles in individuals of Latino descent in gnomAD. Frameshift variants in ACE are expected to be pathogenic. This variant is interpreted as likely pathogenic.

Literature cited by the submitters: PubMed 22095942 (cited by Labcorp Genetics (formerly Invitae), Labcorp).